The following is an entry in ClinVar:

NM_001130082.3(PLXNB1):c.3914G>A (p.Arg1305His)

Gene: PLXNB1 (plexin B1; minus strand). Cytogenetic location: 3p21.31.
Variant type: single nucleotide variant.
Coding change: c.3914G>A on transcript NM_001130082.3 (MANE Select); coding-DNA position 3914, G replaced by A.
Protein change: p.Arg1305His; replaces arginine 1305 with histidine.
Molecular consequence: missense variant.
Genome position (GRCh38, 1-based): chr3:48,415,228, C>T on the plus strand (G>A on the coding strand, the complement: PLXNB1 is on the minus strand). VCF-style: chr3-48415228-C-T. GRCh37 (hg19) VCF-style: chr3-48456637-C-T.
Other names: c.3914G>A, p.Arg1305His (NM_002673.6); short protein forms R1305H.
Identifiers: ClinVar variation 2637208 (VCV002637208.1), dbSNP rs764270397, ClinGen allele CA2374379.

ClinVar aggregate classification (germline): Uncertain significance (1 of 4 stars; one submission).

Conditions:
PLXNB1-related disorder. Also called: PLXNB1-related condition.

Allele frequency attached by ClinVar (database versions not stated): ExAC 0.00001; gnomAD 0.00001; TOPMed 0.00002.
gnomAD v4.1: 34 of 1,613,332 alleles (0.0021%); highest among the groups gnomAD compares: Admixed American, 0.012%; no homozygotes.

Submission:

PreventionGenetics, part of Exact Sciences
Classification: Uncertain significance for PLXNB1-related condition. Last evaluated: 2022-10-21. Review status: criteria provided, single submitter. Criteria: ACMG Guidelines, 2015. Collection method: clinical testing. Allele origin: germline.
Comment: The PLXNB1 c.3914G>A variant is predicted to result in the amino acid substitution p.Arg1305His. To our knowledge, this variant has not been reported in the literature. This variant is reported in 0.014% of alleles in individuals of Latino descent in gnomAD. At this time, the clinical significance of this variant is uncertain due to the absence of conclusive functional and genetic evidence.